The following is an entry in ClinVar:

NM_001292063.2(OTOG):c.7846C>T (p.Leu2616=)

Gene: OTOG (otogelin; plus strand). Cytogenetic location: 11p15.1.
Variant type: single nucleotide variant.
Coding change: c.7846C>T on transcript NM_001292063.2 (MANE Select); coding-DNA position 7846, C replaced by T.
Protein change: p.Leu2616=; no amino-acid change (leucine 2616 retained).
Molecular consequence: synonymous variant.
Genome position (GRCh38, 1-based): chr11:17,638,501, C>T. VCF-style: chr11-17638501-C-T. GRCh37 (hg19) VCF-style: chr11-17660048-C-T.
Other names: c.7882C>T, p.Leu2628= (NM_001277269.2).
Identifiers: ClinVar variation 227800 (VCV000227800.15), dbSNP rs876657558, ClinGen allele CA10576875.

ClinVar aggregate classification (germline): Conflicting classifications of pathogenicity. Review status: criteria provided, conflicting classifications (1 of 4 stars). 4 submissions from 4 submitters: Uncertain significance (1); Likely benign (3). Last evaluated 2025-09-24.

Allele frequency attached by ClinVar (database versions not stated): gnomAD 0.00001; gnomAD exomes 0.00001 and 0.00007; TOPMed 0.00003.
gnomAD v4.1: 19 of 1,550,308 alleles (0.0012%); highest among the groups gnomAD compares: Admixed American, 0.033%; no homozygotes.

Submissions (4):

GeneDx
Classification: Uncertain significance. Last evaluated: 2025-09-24. Review status: criteria provided, single submitter. Criteria: GeneDx Variant Classification Process June 2021. Collection method: clinical testing. Allele origin: germline.
Comment: In silico analysis suggests that this variant does not alter splicing; Has not been previously published as pathogenic or benign to our knowledge

Labcorp Genetics (formerly Invitae), Labcorp
Classification: Likely benign. Last evaluated: 2025-07-08. Review status: criteria provided, single submitter. Criteria: Invitae Variant Classification Sherloc (09022015). Collection method: clinical testing. Allele origin: germline.

Blueprint Genetics
Classification: Likely benign. Last evaluated: 2022-08-18. Review status: criteria provided, single submitter. Criteria: ACMG Guidelines, 2015. Collection method: clinical testing. Allele origin: germline.

Laboratory for Molecular Medicine, Mass General Brigham Personalized Medicine
Classification: Likely benign. Last evaluated: 2016-01-03. Review status: criteria provided, single submitter. Criteria: LMM Criteria. Collection method: clinical testing. Allele origin: germline. Observed: 2 variant alleles.
Comment: p.Leu2628Leu in exon 47 of OTOG: This variant is not expected to have clinical s ignificance because it does not alter an amino acid residue and is not located w ithin the splice consensus sequence.